The following is an entry in ClinVar:

NM_000321.3(RB1):c.908T>A (p.Leu303His)

Gene: RB1 (RB transcriptional corepressor 1; plus strand). Cytogenetic location: 13q14.2.
Variant type: single nucleotide variant.
Coding change: c.908T>A on transcript NM_000321.3 (MANE Select); coding-DNA position 908, T replaced by A.
Protein change: p.Leu303His; replaces leucine 303 with histidine.
Molecular consequence: missense variant.
Genome position (GRCh38, 1-based): chr13:48,364,940, T>A. VCF-style: chr13-48364940-T-A. GRCh37 (hg19) VCF-style: chr13-48939076-T-A.
Other names: c.908T>A, p.Leu303His (NM_001407165.1, NM_001407166.1); short protein forms L303H.
Identifiers: ClinVar variation 3430898 (VCV003430898.1).
Genomic context (GRCh38, chr13:48,364,940, plus strand): 5'-TTCATCTTTTTCAGGTGAAAAATGTTTATTTCAAAAATTTTATACCTTTTATGAATTCTC[T>A]TGGACTTGTAACATCTAATGGACTTCCAGAGGTAATCTGAAAGGAAATTTAATAAAATAT-3'
Protein context (NP_000312.2, residues 293-313): FKNFIPFMNS[Leu303His]GLVTSNGLPE

ClinVar aggregate classification (germline): Uncertain significance (1 of 4 stars; one submission).

Conditions:
Hereditary cancer-predisposing syndrome. Also called: Neoplastic Syndromes, Hereditary; Tumor predisposition; Hereditary Cancer Syndrome; Hereditary neoplastic syndrome. Identifiers: Orphanet 140162, MedGen C0027672, MeSH D009386, MONDO:0015356.

Submission:

Ambry Genetics
Classification: Uncertain significance for Hereditary cancer-predisposing syndrome. Last evaluated: 2024-10-15. Review status: criteria provided, single submitter. Criteria: Ambry Variant Classification Scheme 2023. Collection method: clinical testing. Allele origin: germline.
Comment: The p.L303H variant (also known as c.908T>A), located in coding exon 9 of the RB1 gene, results from a T to A substitution at nucleotide position 908. The leucine at codon 303 is replaced by histidine, an amino acid with similar properties. This amino acid position is well conserved in available vertebrate species. In addition, this alteration is predicted to be deleterious by in silico analysis. Based on the available evidence, the clinical significance of this variant remains unclear.